The following is an entry in ClinVar:

NM_005219.5(DIAPH1):c.3287A>G (p.Asp1096Gly)

Gene: DIAPH1 (diaphanous related formin 1; minus strand). Cytogenetic location: 5q31.3.
Variant type: single nucleotide variant.
Coding change: c.3287A>G on transcript NM_005219.5 (MANE Select); coding-DNA position 3287, A replaced by G.
Protein change: p.Asp1096Gly; replaces aspartic acid 1096 with glycine.
Molecular consequence: missense variant.
Genome position (GRCh38, 1-based): chr5:141,526,448, T>C on the plus strand (A>G on the coding strand, the complement: DIAPH1 is on the minus strand). VCF-style: chr5-141526448-T-C. GRCh37 (hg19) VCF-style: chr5-140906015-T-C.
Other names: c.3260A>G, p.Asp1087Gly (NM_001079812.3); c.3287A>G, p.Asp1096Gly (NM_001314007.2); short protein forms D1087G, D1096G.
Identifiers: ClinVar variation 4789162 (VCV004789162.1).

ClinVar aggregate classification (germline): Uncertain significance (1 of 4 stars; one submission).

Conditions:
Autosomal dominant nonsyndromic hearing loss 1. Also called: KONIGSMARK SYNDROME; DEAFNESS, AUTOSOMAL DOMINANT 1, WITH OR WITHOUT THROMBOCYTOPENIA. Identifiers: Orphanet 90635, MedGen C1852282, MONDO:0007424, OMIM 124900.
Progressive microcephaly-seizures-cortical blindness-developmental delay syndrome. Also called: Seizures, cortical blindness, and microcephaly syndrome. Identifiers: Orphanet 477814, MedGen C5567650, MONDO:0014714, OMIM 616632.

Submission:

Labcorp Genetics (formerly Invitae), Labcorp
Classification: Uncertain significance for Progressive microcephaly-seizures-cortical blindness-developmental delay syndrome; Autosomal dominant nonsyndromic hearing loss 1. Last evaluated: 2025-09-25. Review status: criteria provided, single submitter. Criteria: Invitae Variant Classification Sherloc (09022015). Collection method: clinical testing. Allele origin: germline.
Comment: This sequence change replaces aspartic acid, which is acidic and polar, with glycine, which is neutral and non-polar, at codon 1096 of the DIAPH1 protein (p.Asp1096Gly). This variant is not present in population databases (gnomAD no frequency). This variant has not been reported in the literature in individuals affected with DIAPH1-related conditions. An algorithm developed to predict the effect of missense changes on protein structure and function (PolyPhen-2) suggests that this variant is likely to be tolerated. In summary, the available evidence is currently insufficient to determine the role of this variant in disease. Therefore, it has been classified as a Variant of Uncertain Significance.